The following is an entry in ClinVar:

ClinVar aggregate classification (germline): Benign/Likely benign. Review status: criteria provided, multiple submitters, no conflicts (2 of 4 stars). 5 submissions from 4 submitters: Benign (1); Likely benign (4). Last evaluated 2026-01-24.

Conditions:
Distal arthrogryposis type 2B1 (DA2B1). Also called: Arthrogryposis multiplex congenita distal type II with craniofacial abnormalities. Identifiers: Orphanet 1147, MedGen C5193014, MONDO:0020820, OMIM 601680.
Freeman-Sheldon syndrome (DA2A). Also called: CRANIOCARPOTARSAL DYSPLASIA; CRANIOCARPOTARSAL DYSTROPHY; WHISTLING FACE-WINDMILL VANE HAND SYNDROME; Arthrogryposis, distal, type 2A (Freeman-Sheldon). Identifiers: Orphanet 2053, MedGen C0265224, MONDO:0008675, OMIM 193700.

Allele frequency attached by ClinVar (database versions not stated): gnomAD exomes 0.00021 and 0.00049; ExAC 0.00060; gnomAD 0.00204 and 0.00218; TOPMed 0.00217; ESP Exome Variant Server 0.00223; 1000 Genomes Project 0.00280; 1000 Genomes Project 30x 0.00281.
gnomAD v4.1: 655 of 1,614,254 alleles (0.041%); highest among the groups gnomAD compares: African/African-American, 0.71%; 4 homozygotes.

Submissions (5):

Labcorp Genetics (formerly Invitae), Labcorp
Classification: Likely benign. Last evaluated: 2026-01-24. Review status: criteria provided, single submitter. Criteria: Invitae Variant Classification Sherloc (09022015). Collection method: clinical testing. Allele origin: germline.

Genomic Medicine Center of Excellence, King Faisal Specialist Hospital and Research Centre
Classification: Likely benign. Last evaluated: 2025-08-18. Review status: criteria provided, single submitter. Criteria: ACMG Guidelines, 2015. Collection method: clinical testing. Allele origin: germline.

CeGaT Center for Human Genetics Tuebingen
Classification: Likely benign. Last evaluated: 2024-08-01. Review status: criteria provided, single submitter. Criteria: CeGaT Center For Human Genetics Tuebingen Variant Classification Criteria Version 2. Collection method: clinical testing. Allele origin: germline. Affected: yes. Observed: 2 variant alleles.
Comment: MYH3: BP4, BS2

Illumina Laboratory Services, Illumina
Classification: Likely benign for Distal arthrogryposis type 2B1. Last evaluated: 2018-01-12. Review status: criteria provided, single submitter. Criteria: ICSL Variant Classification Criteria 13 December 2019. Collection method: clinical testing. Allele origin: germline.
Comment: This variant was observed in the ICSL laboratory as part of a predisposition screen in an ostensibly healthy population. It had not been previously curated by ICSL or reported in the Human Gene Mutation Database (HGMD: prior to June 1st, 2018), and was therefore a candidate for classification through an automated scoring system. Utilizing variant allele frequency, disease prevalence and penetrance estimates, and inheritance mode, an automated score was calculated to assess if this variant is too frequent to cause the disease. Based on the score and internal cut-off values, a variant classified as likely benign is not then subjected to further curation. The score for this variant resulted in a classification of likely benign for this disease.

Illumina Laboratory Services, Illumina
Classification: Benign for Freeman-Sheldon syndrome. Last evaluated: 2018-01-12. Review status: criteria provided, single submitter. Criteria: ICSL Variant Classification Criteria 13 December 2019. Collection method: clinical testing. Allele origin: germline.
Comment: This variant was observed in the ICSL laboratory as part of a predisposition screen in an ostensibly healthy population. It had not been previously curated by ICSL or reported in the Human Gene Mutation Database (HGMD: prior to June 1st, 2018), and was therefore a candidate for classification through an automated scoring system. Utilizing variant allele frequency, disease prevalence and penetrance estimates, and inheritance mode, an automated score was calculated to assess if this variant is too frequent to cause the disease. Based on the score and internal cut-off values, a variant classified as benign is not then subjected to further curation. The score for this variant resulted in a classification of benign for this disease.

NM_002470.4(MYH3):c.2289+4A>G

Gene: MYH3 (myosin heavy chain 3; minus strand). Cytogenetic location: 17p13.1.
Variant type: single nucleotide variant.
Coding change: c.2289+4A>G on transcript NM_002470.4 (MANE Select); 4 bases into the intron after coding-DNA position 2289, A replaced by G.
Molecular consequence: intron variant.
Genome position (GRCh38, 1-based): chr17:10,640,559, T>C on the plus strand (A>G on the coding strand, the complement: MYH3 is on the minus strand). VCF-style: chr17-10640559-T-C. GRCh37 (hg19) VCF-style: chr17-10543876-T-C.
Identifiers: ClinVar variation 321749 (VCV000321749.38), dbSNP rs111835858, ClinGen allele CA8392802.